The following is an entry in ClinVar:

ClinVar aggregate classification (germline): Uncertain significance. Review status: criteria provided, multiple submitters, no conflicts (2 of 4 stars). 2 submissions from 2 submitters: Uncertain significance (2). Last evaluated 2023-03-30.

Conditions:
RASopathy. Also called: rasopathies; Noonan spectrum disorder. Identifiers: Orphanet 536391, MedGen C5555857, MONDO:0021060.

Submissions (2):

GeneDx
Classification: Uncertain significance. Last evaluated: 2023-03-30. Review status: criteria provided, single submitter. Criteria: GeneDx Variant Classification Process June 2021. Collection method: clinical testing. Allele origin: germline. Affected: yes.
Comment: Has not been previously published as pathogenic or benign to our knowledge; In frame duplication of two glycine residues in a string of glycine residues

Labcorp Genetics (formerly Invitae), Labcorp
Classification: Uncertain significance for RASopathy. Last evaluated: 2022-06-22. Review status: criteria provided, single submitter. Criteria: Invitae Variant Classification Sherloc (09022015). Collection method: clinical testing. Allele origin: germline.
Comment: In summary, the available evidence is currently insufficient to determine the role of this variant in disease. Therefore, it has been classified as a Variant of Uncertain Significance. This variant has not been reported in the literature in individuals affected with BRAF-related conditions. This variant is not present in population databases (gnomAD no frequency). This variant, c.27_32dup, results in the insertion of 2 amino acid(s) of the BRAF protein (p.Gly10_Gly11dup), but otherwise preserves the integrity of the reading frame.

NM_004333.6(BRAF):c.27_32dup (p.Gly11_Ala12insGlyGly)

Gene: BRAF (B-Raf proto-oncogene, serine/threonine kinase; minus strand). Cytogenetic location: 7q34.
Variant type: Duplication.
Coding change: c.27_32dup on transcript NM_004333.6 (MANE Select); coding-DNA positions 27 to 32, 6 bases duplicated (TGGCGG; older notation c.27_32dupTGGCGG).
Protein change: p.Gly11_Ala12insGlyGly.
Molecular consequence: inframe insertion.
Genome position (GRCh38, 1-based): chr7:140,924,672-140,924,677, CCGCCA duplicated on the plus strand (TGGCGG on the coding strand, the reverse complement: BRAF is on the minus strand); duplicating any 6 consecutive bases within chr7:140,924,672-140,924,679 gives the same sequence; the c. name uses the placement nearest the transcript's 3' end. VCF-style (leftmost placement, unchanged base first): chr7-140924671-G-GCCGCCA. GRCh37 (hg19) VCF-style: chr7-140624471-G-GCCGCCA.
Other names: c.27_32dup, p.Gly11_Ala12insGlyGly (NM_001354609.2, NM_001374244.1, NM_001374258.1 and 7 more transcripts); c.27_32dup (NM_004333.4).
Identifiers: ClinVar variation 2008975 (VCV002008975.5), dbSNP rs1818679684, ClinGen allele CA1107953623.